The following is an entry in ClinVar:

NM_020738.4(KIDINS220):c.1192T>C (p.Tyr398His)

Gene: KIDINS220 (kinase D interacting substrate 220; minus strand). Cytogenetic location: 2p25.1.
Variant type: single nucleotide variant.
Coding change: c.1192T>C on transcript NM_020738.4 (MANE Select); coding-DNA position 1192, T replaced by C.
Protein change: p.Tyr398His; replaces tyrosine 398 with histidine.
Molecular consequence: missense variant. On other transcripts: non-coding transcript variant (2).
Genome position (GRCh38, 1-based): chr2:8,793,894, A>G on the plus strand (T>C on the coding strand, the complement: KIDINS220 is on the minus strand). VCF-style: chr2-8793894-A-G. GRCh37 (hg19) VCF-style: chr2-8934024-A-G.
Other names: c.1195T>C, p.Tyr399His (NM_001348729.2, NM_001348731.2, NM_001348734.2 and 3 more transcripts); c.1192T>C, p.Tyr398His (NM_001348732.2, NM_001348735.2, NM_001348738.2 and 3 more transcripts); c.1066T>C, p.Tyr356His (NM_001348736.2); short protein forms Y356H, Y399H, Y398H.
Identifiers: ClinVar variation 5008581 (VCV005008581.1).

ClinVar aggregate classification (germline): Uncertain significance (1 of 4 stars; one submission).

gnomAD v4.1: 1 of 1,613,990 alleles (0.000062%); highest among the groups gnomAD compares: South Asian, 0.0011%; no homozygotes.

Submission:

GeneDx
Classification: Uncertain significance. Last evaluated: 2026-03-05. Review status: criteria provided, single submitter. Criteria: GeneDx Variant Classification Process June 2021. Collection method: clinical testing. Allele origin: germline.
Comment: Not observed at significant frequency in large population cohorts (gnomAD); In silico analysis supports that this missense variant has a deleterious effect on protein structure/function; Has not been previously published as pathogenic or benign to our knowledge